The following is an entry in ClinVar:

ClinVar aggregate classification (germline): Uncertain significance (1 of 4 stars; one submission).

Submission:

Labcorp Genetics (formerly Invitae), Labcorp
Classification: Uncertain significance. Last evaluated: 2023-11-27. Review status: criteria provided, single submitter. Criteria: Invitae Variant Classification Sherloc (09022015). Collection method: clinical testing. Allele origin: unknown.
Comment: A copy number gain of the genomic region encompassing the full coding sequence of the GTPBP3 gene has been identified. The boundaries of this event are unknown as they extend beyond the assayed region for this gene and therefore may encompass additional genes. As the precise location of this event is unknown, it may be in tandem or it may be located elsewhere in the genome. This variant has not been reported in the literature in individuals affected with GTPBP3-related conditions. In summary, the available evidence is currently insufficient to determine the role of this variant in disease. Therefore, it has been classified as a Variant of Uncertain Significance.

NC_000019.9:g.(?_17448421)_(17571678_?)dup

Genes: BST2 (bone marrow stromal cell antigen 2; minus strand), GTPBP3 (GTP binding protein 3, mitochondrial; plus strand), MVB12A (multivesicular body subunit 12A; plus strand), NXNL1 (nucleoredoxin like 1; minus strand), PLVAP (plasmalemma vesicle associated protein; minus strand) and 1 more. Cytogenetic location: 19p13.11.
Variant type: Duplication.
Identifiers: ClinVar variation 3242729 (VCV003242729.1).